The following is an entry in ClinVar:

NM_017934.7(PHIP):c.4038T>A (p.Asp1346Glu)

Genes: IRAK1BP1 (interleukin 1 receptor associated kinase 1 binding protein 1; plus strand), PHIP (PHIP subunit of CUL4-Ring ligase complex; minus strand). Cytogenetic location: 6q14.1.
Variant type: single nucleotide variant.
Coding change: c.4038T>A on transcript NM_017934.7 (MANE Select); coding-DNA position 4038, T replaced by A.
Protein change: p.Asp1346Glu; replaces aspartic acid 1346 with glutamic acid.
Molecular consequence: missense variant.
Genome position (GRCh38, 1-based): chr6:78,954,829, A>T on the plus strand (T>A on the coding strand, the complement: PHIP is on the minus strand). VCF-style: chr6-78954829-A-T. GRCh37 (hg19) VCF-style: chr6-79664546-A-T.
Other names: short protein forms D1346E.
Identifiers: ClinVar variation 4538059 (VCV004538059.1).

ClinVar aggregate classification (germline): Uncertain significance (1 of 4 stars; one submission).

Submission:

GeneDx
Classification: Uncertain significance. Last evaluated: 2025-06-11. Review status: criteria provided, single submitter. Criteria: GeneDx Variant Classification Process June 2021. Collection method: clinical testing. Allele origin: germline. Affected: yes.
Comment: Not observed at significant frequency in large population cohorts (gnomAD); In silico analysis supports that this missense variant has a deleterious effect on protein structure/function; Has not been previously published as pathogenic or benign to our knowledge